The following is an entry in ClinVar:

NM_001558.4(IL10RA):c.698T>G (p.Val233Gly)

Gene: IL10RA (interleukin 10 receptor subunit alpha; plus strand). Cytogenetic location: 11q23.3.
Variant type: single nucleotide variant.
Coding change: c.698T>G on transcript NM_001558.4 (MANE Select); coding-DNA position 698, T replaced by G.
Protein change: p.Val233Gly; replaces valine 233 with glycine.
Molecular consequence: missense variant. On other transcripts: non-coding transcript variant (1).
Genome position (GRCh38, 1-based): chr11:117,995,598, T>G. VCF-style: chr11-117995598-T-G. GRCh37 (hg19) VCF-style: chr11-117866313-T-G.
Other names: short protein forms V233G.
Identifiers: ClinVar variation 470623 (VCV000470623.63), dbSNP rs138929400, ClinGen allele CA6299032.

ClinVar aggregate classification (germline): Conflicting classifications of pathogenicity. Review status: criteria provided, conflicting classifications (1 of 4 stars). 7 submissions from 7 submitters: Uncertain significance (4); Likely benign (3). Last evaluated 2026-02-02.

Conditions:
Inflammatory bowel disease 28. Also called: Inflammatory bowel disease 28, early onset, autosomal recessive. Identifiers: Orphanet 238569, MedGen C2751053, MONDO:0013153, OMIM 613148.

Allele frequency attached by ClinVar (database versions not stated): ExAC 0.00149; gnomAD exomes 0.00191 and 0.00144; ESP Exome Variant Server 0.00192; 1000 Genomes Project 0.00040; 1000 Genomes Project 30x 0.00062; gnomAD 0.00127 and 0.00130; TOPMed 0.00128.
gnomAD v4.1: 2,956 of 1,614,212 alleles (0.18%); highest among the groups gnomAD compares: Non-Finnish European, 0.23%; no homozygotes.

Submissions (7):

Labcorp Genetics (formerly Invitae), Labcorp
Classification: Likely benign for Inflammatory bowel disease 28. Last evaluated: 2026-02-02. Review status: criteria provided, single submitter. Criteria: Invitae Variant Classification Sherloc (09022015). Collection method: clinical testing. Allele origin: germline.

CeGaT Center for Human Genetics Tuebingen
Classification: Likely benign. Last evaluated: 2025-08-01. Review status: criteria provided, single submitter. Criteria: CeGaT Center For Human Genetics Tuebingen Variant Classification Criteria Version 2. Collection method: clinical testing. Allele origin: germline. Affected: yes. Observed: 3 variant alleles.
Comment: IL10RA: BP4

Blueprint Genetics
Classification: Likely benign. Last evaluated: 2024-11-21. Review status: criteria provided, single submitter. Criteria: ACMG Guidelines, 2015. Collection method: clinical testing. Allele origin: germline.

GeneDx
Classification: Uncertain significance. Last evaluated: 2022-02-21. Review status: criteria provided, single submitter. Criteria: GeneDx Variant Classification Process June 2021. Collection method: clinical testing. Allele origin: germline. Affected: yes.
Comment: Has not been previously published as pathogenic or benign to our knowledge; In silico analysis supports that this missense variant has a deleterious effect on protein structure/function

Center for Genomics, Ann and Robert H. Lurie Children's Hospital of Chicago
Classification: Uncertain significance for Inflammatory bowel disease 28. Last evaluated: 2021-05-03. Review status: criteria provided, single submitter. Criteria: ACMG Guidelines, 2015. Collection method: clinical testing. Allele origin: germline.
Comment: IL10RA NM_001558.3 exon 6 p.Val233Gly (c.698T>G): This variant has not been reported in the literature but is present in 0.2% (154/68036) of European alleles in the Genome Aggregation Database. This variant is present in ClinVar (Variation ID:470623). Evolutionary conservation suggests that this variant may not impact the protein; computational predictive tools for this variant are unclear. In summary, data on this variant is insufficient for disease classification. Therefore, the clinical significance of this variant is uncertain.

Illumina Laboratory Services, Illumina
Classification: Uncertain significance for Inflammatory bowel disease 28. Last evaluated: 2018-01-12. Review status: criteria provided, single submitter. Criteria: ICSL Variant Classification Criteria 13 December 2019. Collection method: clinical testing. Allele origin: germline.

Eurofins Ntd Llc (ga)
Classification: Uncertain significance. Last evaluated: 2017-05-02. Review status: criteria provided, single submitter. Criteria: EGL Classification Definitions 2015. Collection method: clinical testing. Allele origin: germline. Observed: 1 variant allele, 1 heterozygote.